The following is an entry in ClinVar:

ClinVar aggregate classification (germline): Likely benign (1 of 4 stars; one submission).

Allele frequency attached by ClinVar (database versions not stated): 1000 Genomes Project 30x 0.00172; 1000 Genomes Project 0.00180; TOPMed 0.00444; gnomAD 0.00628.

Submission:

CeGaT Center for Human Genetics Tuebingen
Classification: Likely benign. Last evaluated: 2023-02-01. Review status: criteria provided, single submitter. Criteria: CeGaT Center For Human Genetics Tuebingen Variant Classification Criteria Version 2. Collection method: clinical testing. Allele origin: germline. Affected: yes. Observed: 2 variant alleles.
Comment: ELOVL7: BS2

NM_024930.3(ELOVL7):c.-85-3412G>A

Gene: ELOVL7 (ELOVL fatty acid elongase 7; minus strand). Cytogenetic location: 5q12.1.
Variant type: single nucleotide variant.
Coding change: c.-85-3412G>A on transcript NM_024930.3 (MANE Select); 3412 bases into the intron before 85 bases upstream of the start codon, G replaced by A.
Molecular consequence: intron variant.
Genome position (GRCh38, 1-based): chr5:60,802,642, C>T on the plus strand (G>A on the coding strand, the complement: ELOVL7 is on the minus strand). VCF-style: chr5-60802642-C-T. GRCh37 (hg19) VCF-style: chr5-60098469-C-T.
Other names: c.-34-15211G>A (NM_001104558.2); c.-300-3412G>A (NM_001297618.2); c.-471-3412G>A (NM_001297617.2).
Identifiers: ClinVar variation 2655478 (VCV002655478.24), dbSNP rs193080529, ClinGen allele CA118822797.